The following is an entry in ClinVar:

ClinVar aggregate classification (germline): Uncertain significance (1 of 4 stars; one submission).

Submission:

Labcorp Genetics (formerly Invitae), Labcorp
Classification: Uncertain significance. Last evaluated: 2022-11-15. Review status: criteria provided, single submitter. Criteria: Invitae Variant Classification Sherloc (09022015). Collection method: clinical testing. Allele origin: germline.
Comment: This sequence change affects codon 295 of the FAM20A mRNA. It is a 'silent' change, meaning that it does not change the encoded amino acid sequence of the FAM20A protein. This variant is not present in population databases (gnomAD no frequency). This variant has not been reported in the literature in individuals affected with FAM20A-related conditions. Algorithms developed to predict the effect of sequence changes on RNA splicing suggest that this variant may disrupt the consensus splice site. In summary, the available evidence is currently insufficient to determine the role of this variant in disease. Therefore, it has been classified as a Variant of Uncertain Significance.

NM_017565.4(FAM20A):c.885C>A (p.Val295=)

Genes: FAM20A (FAM20A golgi associated secretory pathway pseudokinase; minus strand), PRKAR1A (protein kinase cAMP-dependent type I regulatory subunit alpha; plus strand). Cytogenetic location: 17q24.2.
Variant type: single nucleotide variant.
Coding change: c.885C>A on transcript NM_017565.4 (MANE Select); coding-DNA position 885, C replaced by A.
Protein change: p.Val295=; no amino-acid change (valine 295 retained).
Molecular consequence: synonymous variant. On other transcripts: non-coding transcript variant (1), intron variant (1).
Genome position (GRCh38, 1-based): chr17:68,542,737, G>T on the plus strand (C>A on the coding strand, the complement: FAM20A is on the minus strand). VCF-style: chr17-68542737-G-T. GRCh37 (hg19) VCF-style: chr17-66538878-G-T.
Other names: c.471C>A, p.Val157= (NM_001243746.2); c.974-8347G>T (NM_001276290.1).
Identifiers: ClinVar variation 1964902 (VCV001964902.5), dbSNP rs2509501177, ClinGen allele CA501529366.